The following is an entry in ClinVar:

NM_001148.6(ANK2):c.1670C>G (p.Ser557Cys)

Gene: ANK2 (ankyrin 2; plus strand). Cytogenetic location: 4q26.
Variant type: single nucleotide variant.
Coding change: c.1670C>G on transcript NM_001148.6 (MANE Select); coding-DNA position 1670, C replaced by G.
Protein change: p.Ser557Cys; replaces serine 557 with cysteine.
Molecular consequence: missense variant.
Genome position (GRCh38, 1-based): chr4:113,274,636, C>G. VCF-style: chr4-113274636-C-G. GRCh37 (hg19) VCF-style: chr4-114195792-C-G.
Other names: c.1670C>G, p.Ser557Cys (NM_001354228.2, NM_001354232.2, NM_001354235.2 and 8 more transcripts); c.1715C>G, p.Ser572Cys (NM_001354230.2, NM_001354231.2, NM_001354237.2 and 5 more transcripts); c.1607C>G, p.Ser536Cys (NM_001354239.2, NM_001354243.2, NM_001354244.2 and 14 more transcripts); c.1583C>G, p.Ser528Cys (NM_001354249.2, NM_001354276.2, NM_001386142.1 and 13 more transcripts); c.1385C>G, p.Ser462Cys (NM_001354277.2, NM_001386157.1, NM_001386158.1); c.1628C>G, p.Ser543Cys (NM_001386147.1, NM_001354261.2, NM_001386160.1); c.1658C>G, p.Ser553Cys (NM_001386148.2, NM_001386186.2); c.1460C>G, p.Ser487Cys (NM_001354269.3); and 4 more; short protein forms S487C, S566C, S574C, S462C, S536C, S545C, S557C, S528C.
Identifiers: ClinVar variation 4087876 (VCV004087876.1).

ClinVar aggregate classification (germline): Uncertain significance (1 of 4 stars; one submission).

Submission:

GeneDx
Classification: Uncertain significance. Last evaluated: 2025-03-27. Review status: criteria provided, single submitter. Criteria: GeneDx Variant Classification Process June 2021. Collection method: clinical testing. Allele origin: germline. Affected: yes.
Comment: Not observed at significant frequency in large population cohorts (gnomAD); In silico analysis supports that this missense variant has a deleterious effect on protein structure/function; Has not been previously published as pathogenic or benign to our knowledge